The following is an entry in ClinVar:

ClinVar aggregate classification (germline): Uncertain significance. Review status: criteria provided, multiple submitters, no conflicts (2 of 4 stars). 3 submissions from 3 submitters: Uncertain significance (3). Last evaluated 2024-09-03.

Conditions:
Dilated cardiomyopathy 1O (CMD1O). Also called: CARDIOMYOPATHY, DILATED, WITH VENTRICULAR TACHYCARDIA. Identifiers: Orphanet 154, MedGen C1837839, MONDO:0012062, OMIM 608569.
Cardiomyopathy (CMYO). Also called: Cardiomyopathies. Identifiers: Orphanet 167848, MedGen C0878544, MONDO:0004994, HP:0001638. Inheritance: Various modes of inheritance.

gnomAD v4.1: 1 of 1,613,900 alleles (0.000062%); no homozygotes.

Submissions (3):

Labcorp Genetics (formerly Invitae), Labcorp
Classification: Uncertain significance for Dilated cardiomyopathy 1O. Last evaluated: 2024-09-03. Review status: criteria provided, single submitter. Criteria: Invitae Variant Classification Sherloc (09022015). Collection method: clinical testing. Allele origin: germline.
Comment: This sequence change replaces aspartic acid, which is acidic and polar, with glutamic acid, which is acidic and polar, at codon 861 of the ABCC9 protein (p.Asp861Glu). This variant is not present in population databases (gnomAD no frequency). This variant has not been reported in the literature in individuals affected with ABCC9-related conditions. ClinVar contains an entry for this variant (Variation ID: 626796). Invitae Evidence Modeling of protein sequence and biophysical properties (such as structural, functional, and spatial information, amino acid conservation, physicochemical variation, residue mobility, and thermodynamic stability) indicates that this missense variant is not expected to disrupt ABCC9 protein function with a negative predictive value of 95%. In summary, the available evidence is currently insufficient to determine the role of this variant in disease. Therefore, it has been classified as a Variant of Uncertain Significance.

Blueprint Genetics
Classification: Uncertain significance. Last evaluated: 2023-11-03. Review status: criteria provided, single submitter. Criteria: ACMG Guidelines, 2015. Collection method: clinical testing. Allele origin: germline.

CHEO Genetics Diagnostic Laboratory, Children's Hospital of Eastern Ontario
Classification: Uncertain significance for Cardiomyopathy. Last evaluated: 2017-01-26. Review status: criteria provided, single submitter. Criteria: ACMG Guidelines, 2015. Collection method: clinical testing. Allele origin: germline. Study: Canadian Open Genetics Repository.

NM_020297.4(ABCC9):c.2583T>A (p.Asp861Glu)

Gene: ABCC9 (ATP binding cassette subfamily C member 9; minus strand). Cytogenetic location: 12p12.1.
Variant type: single nucleotide variant.
Coding change: c.2583T>A on transcript NM_020297.4 (MANE Select); coding-DNA position 2583, T replaced by A.
Protein change: p.Asp861Glu; replaces aspartic acid 861 with glutamic acid.
Molecular consequence: missense variant.
Genome position (GRCh38, 1-based): chr12:21,852,428, A>T on the plus strand (T>A on the coding strand, the complement: ABCC9 is on the minus strand). VCF-style: chr12-21852428-A-T. GRCh37 (hg19) VCF-style: chr12-22005362-A-T.
Other names: c.2583T>A, p.Asp861Glu (NM_001377273.1, NM_005691.4); c.1716T>A, p.Asp572Glu (NM_001377274.1); short protein forms D861E, D572E.
Identifiers: ClinVar variation 626796 (VCV000626796.5), dbSNP rs1565740446, ClinGen allele CA384125520.